The following is an entry in ClinVar:

ClinVar aggregate classification (germline): Uncertain significance (1 of 4 stars; one submission).

Conditions:
Inborn genetic diseases. Identifiers: MedGen C0950123, MeSH D030342.

gnomAD v4.1: 1 of 1,614,114 alleles (0.000062%); highest among the groups gnomAD compares: Non-Finnish European, 0.000085%; no homozygotes.

Submission:

Ambry Genetics
Classification: Uncertain significance for Inborn genetic diseases. Last evaluated: 2024-12-08. Review status: criteria provided, single submitter. Criteria: Ambry Variant Classification Scheme 2023. Collection method: clinical testing. Allele origin: germline.
Comment: The p.S921F variant (also known as c.2762C>T), located in coding exon 13 of the ASXL1 gene, results from a C to T substitution at nucleotide position 2762. The serine at codon 921 is replaced by phenylalanine, an amino acid with highly dissimilar properties. This amino acid position is conserved. In addition, this alteration is predicted to be tolerated by in silico analysis. Based on the available evidence, the clinical significance of this variant remains unclear.

NM_015338.6(ASXL1):c.2762C>T (p.Ser921Phe)

Gene: ASXL1 (ASXL transcriptional regulator 1; plus strand). Cytogenetic location: 20q11.21.
Variant type: single nucleotide variant.
Coding change: c.2762C>T on transcript NM_015338.6 (MANE Select); coding-DNA position 2762, C replaced by T.
Protein change: p.Ser921Phe; replaces serine 921 with phenylalanine.
Molecular consequence: missense variant.
Genome position (GRCh38, 1-based): chr20:32,435,474, C>T. VCF-style: chr20-32435474-C-T. GRCh37 (hg19) VCF-style: chr20-31023277-C-T.
Other names: c.2579C>T, p.Ser860Phe (NM_001363734.1); short protein forms S921F, S860F.
Identifiers: ClinVar variation 3439657 (VCV003439657.1).